The following is an entry in ClinVar:

NC_012920.1(MT-TL2):m.12279A>G

Gene: MT-TL2 (mitochondrially encoded tRNA leucine 2 (CUN); plus strand).
Variant type: single nucleotide variant.
Genome position: chrM-12279-A-G.
Identifiers: ClinVar variation 690183 (VCV000690183.1), dbSNP rs1603223647, ClinGen allele CA913169962.

ClinVar aggregate classification (germline): Benign (1 of 4 stars; one submission).

Conditions:
MELAS syndrome (MELAS). Also called: Juvenile myopathy, encephalopathy, lactic acidosis, stroke. Identifiers: Orphanet 550, MedGen C0162671, MONDO:0010789, OMIM 540000.

Submission:

Wong Mito Lab, Molecular and Human Genetics, Baylor College of Medicine
Classification: Benign for MELAS syndrome. Last evaluated: 2019-07-12. Review status: criteria provided, single submitter. Criteria: Modified ACMG Guidelines (Unpublished). Collection method: clinical testing. Allele origin: germline.
Comment: The NC_012920.1:m.12279A>G variant in MT-TL2 gene is interpreted to be a Benign variant based on the modified ACMG guidelines (unpublished). This variant meets the following evidence codes reported in the guidelines: BS1, BS4, BP4

Literature cited by the submitters: PubMed 31965079.